The following is an entry in ClinVar:

ClinVar aggregate classification (germline): Uncertain significance. Review status: criteria provided, multiple submitters, no conflicts (2 of 4 stars). 3 submissions from 3 submitters: Uncertain significance (3). Last evaluated 2024-03-06.

Conditions:
Lethal occipital encephalocele-skeletal dysplasia syndrome. Identifiers: Orphanet 293925, MedGen C3280729, MONDO:0013740, OMIM 614416.
Inborn genetic diseases. Identifiers: MedGen C0950123, MeSH D030342.

Allele frequency attached by ClinVar (database versions not stated): gnomAD exomes below 0.00001; gnomAD 0.00001; TOPMed 0.00001.
gnomAD v4.1: 2 of 1,613,668 alleles (0.00012%); highest among the groups gnomAD compares: Admixed American, 0.0033%; no homozygotes.

Submissions (3):

GeneDx
Classification: Uncertain significance. Last evaluated: 2024-03-06. Review status: criteria provided, single submitter. Criteria: GeneDx Variant Classification Process June 2021. Collection method: clinical testing. Allele origin: germline. Affected: yes.
Comment: In silico analysis supports that this missense variant has a deleterious effect on protein structure/function; Has not been previously published as pathogenic or benign to our knowledge

Ambry Genetics
Classification: Uncertain significance for Inborn genetic diseases. Last evaluated: 2023-08-21. Review status: criteria provided, single submitter. Criteria: Ambry Variant Classification Scheme 2023. Collection method: clinical testing. Allele origin: germline.

3billion
Classification: Uncertain significance for Lethal occipital encephalocele-skeletal dysplasia syndrome. Review status: criteria provided, single submitter. Criteria: ACMG Guidelines, 2015. Collection method: clinical testing. Allele origin: unknown. Affected: yes. Observed: 1 homozygote.
Comment: The variant is observed at an extremely low frequency in the gnomAD v2.1.1 dataset (total allele frequency: <0.001%). Missense changes are a common disease-causing mechanism. This variant is classified as Uncertain significance according to the recommendation of ACMG/AMP guideline.

NM_019885.4(CYP26B1):c.344C>T (p.Thr115Ile)

Gene: CYP26B1 (cytochrome P450 family 26 subfamily B member 1; minus strand). Cytogenetic location: 2p13.2.
Variant type: single nucleotide variant.
Coding change: c.344C>T on transcript NM_019885.4 (MANE Select); coding-DNA position 344, C replaced by T.
Protein change: p.Thr115Ile; replaces threonine 115 with isoleucine.
Molecular consequence: missense variant. On other transcripts: intron variant (1).
Genome position (GRCh38, 1-based): chr2:72,144,074, G>A on the plus strand (C>T on the coding strand, the complement: CYP26B1 is on the minus strand). VCF-style: chr2-72144074-G-A. GRCh37 (hg19) VCF-style: chr2-72371203-G-A.
Other names: c.204+3557C>T (NM_001277742.2); c.344C>T (NM_019885.2); short protein forms T115I.
Identifiers: ClinVar variation 1310354 (VCV001310354.6), dbSNP rs1281765906, ClinGen allele CA347227369.